The following is an entry in ClinVar:

NM_144997.7(FLCN):c.1715C>A (p.Pro572His)

Gene: FLCN (folliculin; minus strand). Cytogenetic location: 17p11.2.
Variant type: single nucleotide variant.
Coding change: c.1715C>A on transcript NM_144997.7 (MANE Select); coding-DNA position 1715, C replaced by A.
Protein change: p.Pro572His; replaces proline 572 with histidine.
Molecular consequence: missense variant.
Genome position (GRCh38, 1-based): chr17:17,213,680, G>T on the plus strand (C>A on the coding strand, the complement: FLCN is on the minus strand). VCF-style: chr17-17213680-G-T. GRCh37 (hg19) VCF-style: chr17-17116994-G-T.
Other names: c.1715C>A (LRG_325t1); c.1769C>A, p.Pro590His (NM_001353229.2); c.1715C>A, p.Pro572His (NM_001353230.2, NM_001353231.2); short protein forms P572H, P590H.
Identifiers: ClinVar variation 653717 (VCV000653717.8), dbSNP rs1567804824, ClinGen allele CA398529794.

ClinVar aggregate classification (germline): Uncertain significance. Review status: criteria provided, multiple submitters, no conflicts (2 of 4 stars). 3 submissions from 3 submitters: Uncertain significance (3). Last evaluated 2025-07-02.

Conditions:
Colorectal cancer. Also called: Colorectal cancer, somatic; Malignant Colorectal Neoplasm. Identifiers: MedGen C0346629, MONDO:0005575, OMIM 114500.
Birt-Hogg-Dube syndrome. Also called: Birt Hogg Dubé syndrome. Identifiers: Orphanet 122, MedGen C0346010, MONDO:0800444.
Familial spontaneous pneumothorax (PSP). Identifiers: Orphanet 2903, MedGen C1868193, MONDO:0008259, OMIM 173600.
17p11.2 microduplication syndrome (PTLS). Also called: CHROMOSOME 17p11.2 DUPLICATION SYNDROME; Potocki-Lupski syndrome; Duplication 17p11.2 syndrome; Potocki-Lupski syndrome (dup(17)(p11.2p11.2)). Identifiers: Orphanet 1713, MedGen C2931246, MONDO:0012574, OMIM 610883.
Nonpapillary renal cell carcinoma. Identifiers: Orphanet 422526, MedGen CN074294, MONDO:0007763, OMIM 144700.
Hereditary cancer-predisposing syndrome. Also called: Neoplastic Syndromes, Hereditary; Hereditary neoplastic syndrome; Hereditary Cancer Syndrome; Tumor predisposition. Identifiers: Orphanet 140162, MedGen C0027672, MeSH D009386, MONDO:0015356.

Submissions (3):

Labcorp Genetics (formerly Invitae), Labcorp
Classification: Uncertain significance for Birt-Hogg-Dube syndrome. Last evaluated: 2025-07-02. Review status: criteria provided, single submitter. Criteria: Invitae Variant Classification Sherloc (09022015). Collection method: clinical testing. Allele origin: germline.
Comment: This sequence change replaces proline, which is neutral and non-polar, with histidine, which is basic and polar, at codon 572 of the FLCN protein (p.Pro572His). This variant is not present in population databases (gnomAD no frequency). This variant has not been reported in the literature in individuals affected with FLCN-related conditions. ClinVar contains an entry for this variant (Variation ID: 653717). An algorithm developed to predict the effect of missense changes on protein structure and function (PolyPhen-2) suggests that this variant is likely to be disruptive. In summary, the available evidence is currently insufficient to determine the role of this variant in disease. Therefore, it has been classified as a Variant of Uncertain Significance.

Ambry Genetics
Classification: Uncertain significance for Hereditary cancer-predisposing syndrome. Last evaluated: 2024-04-12. Review status: criteria provided, single submitter. Criteria: Ambry Variant Classification Scheme 2023. Collection method: clinical testing. Allele origin: germline.
Comment: The p.P572H variant (also known as c.1715C>A), located in coding exon 11 of the FLCN gene, results from a C to A substitution at nucleotide position 1715. The proline at codon 572 is replaced by histidine, an amino acid with similar properties. This amino acid position is highly conserved in available vertebrate species. In addition, the in silico prediction for this alteration is inconclusive. Based on the available evidence, the clinical significance of this variant remains unclear.

Fulgent Genetics
Classification: Uncertain significance for Colorectal cancer; Birt-Hogg-Dube syndrome 1; Nonpapillary renal cell carcinoma; Familial spontaneous pneumothorax; 17p11.2 microduplication syndrome. Last evaluated: 2022-02-22. Review status: criteria provided, single submitter. Criteria: ACMG Guidelines, 2015. Collection method: clinical testing. Allele origin: unknown.